The following is an entry in ClinVar:

ClinVar aggregate classification (germline): Uncertain significance (1 of 4 stars; one submission).

Conditions:
Episodic kinesigenic dyskinesia (EKD). Also called: Paroxysmal kinesigenic dyskinesia. Identifiers: Orphanet 98809, MedGen C1868682, MONDO:0044202.

Submission:

Labcorp Genetics (formerly Invitae), Labcorp
Classification: Uncertain significance for Episodic kinesigenic dyskinesia. Last evaluated: 2022-08-09. Review status: criteria provided, single submitter. Criteria: Invitae Variant Classification Sherloc (09022015). Collection method: clinical testing. Allele origin: germline.
Comment: In summary, the available evidence is currently insufficient to determine the role of this variant in disease. Therefore, it has been classified as a Variant of Uncertain Significance. Experimental studies and prediction algorithms are not available or were not evaluated, and the functional significance of this variant is currently unknown. This variant has not been reported in the literature in individuals affected with PRRT2-related conditions. This variant is not present in population databases (gnomAD no frequency). This sequence change affects the initiator methionine of the PRRT2 mRNA. The next in-frame methionine is located at codon 11.

NM_145239.3(PRRT2):c.-20_18del (p.Met1fs)

Genes: MVP-DT (MVP divergent transcript; minus strand), PRRT2 (proline rich transmembrane protein 2; plus strand). Cytogenetic location: 16p11.2.
Variant type: Deletion.
Coding change: c.-20_18del on transcript NM_145239.3 (MANE Select); 20 bases upstream of the start codon through coding-DNA position 18, 38 bases deleted.
Protein change: p.Met1fs; shifts the reading frame from methionine 1.
Molecular consequence: frameshift variant, initiator codon variant.
Genome position (GRCh38, 1-based): chr16:29,813,035-29,813,072, 38 bases deleted; deleting any 38 consecutive bases within chr16:29,813,030-29,813,072 gives the same sequence; the c. name uses the placement nearest the transcript's 3' end. GRCh37 (hg19): chr16:29,824,356-29,824,393.
Other names: c.-20_18del, p.Met1fs (NM_001256442.2, NM_001256443.2); short protein forms M1fs.
Identifiers: ClinVar variation 2012891 (VCV002012891.5), dbSNP rs2543330391, ClinGen allele CA2580091442.